The following is an entry in ClinVar:

ClinVar aggregate classification (germline): Uncertain significance (1 of 4 stars; one submission).

Conditions:
Hereditary cancer-predisposing syndrome. Also called: Neoplastic Syndromes, Hereditary; Tumor predisposition; Hereditary Cancer Syndrome; Hereditary neoplastic syndrome. Identifiers: Orphanet 140162, MedGen C0027672, MeSH D009386, MONDO:0015356.

Submission:

Ambry Genetics
Classification: Uncertain significance for Hereditary cancer-predisposing syndrome. Last evaluated: 2022-03-09. Review status: criteria provided, single submitter. Criteria: Ambry Variant Classification Scheme 2023. Collection method: clinical testing. Allele origin: germline.
Comment: The p.V559A variant (also known as c.1676T>C), located in coding exon 7 of the BARD1 gene, results from a T to C substitution at nucleotide position 1676. The valine at codon 559 is replaced by alanine, an amino acid with similar properties. This amino acid position is not well conserved in available vertebrate species. In addition, this alteration is predicted to be tolerated by in silico analysis. Since supporting evidence is limited at this time, the clinical significance of this alteration remains unclear.

NM_000465.4(BARD1):c.1676T>C (p.Val559Ala)

Gene: BARD1 (BRCA1 associated RING domain 1; minus strand). Cytogenetic location: 2q35.
Variant type: single nucleotide variant.
Coding change: c.1676T>C on transcript NM_000465.4 (MANE Select); coding-DNA position 1676, T replaced by C.
Protein change: p.Val559Ala; replaces valine 559 with alanine.
Molecular consequence: missense variant. On other transcripts: non-coding transcript variant (3), intron variant (1).
Genome position (GRCh38, 1-based): chr2:214,752,448, A>G on the plus strand (T>C on the coding strand, the complement: BARD1 is on the minus strand). VCF-style: chr2-214752448-A-G. GRCh37 (hg19) VCF-style: chr2-215617172-A-G.
Other names: c.1619T>C, p.Val540Ala (NM_001282543.2); c.323T>C, p.Val108Ala (NM_001282545.2); c.266T>C, p.Val89Ala (NM_001282548.2); c.365-21940T>C (NM_001282549.2); short protein forms V559A, V108A, V540A, V89A.
Identifiers: ClinVar variation 1777801 (VCV001777801.2), dbSNP rs2469377397, ClinGen allele CA350454500.